The following is an entry in ClinVar:

ClinVar aggregate classification (germline): Likely benign (1 of 4 stars; one submission).

gnomAD v4.1: 5 of 1,574,178 alleles (0.00032%); highest among the groups gnomAD compares: Middle Eastern, 0.045%; no homozygotes.

Submission:

Athena Diagnostics
Classification: Likely benign. Last evaluated: 2025-08-21. Review status: criteria provided, single submitter. Criteria: Athena Diagnostics Criteria. Collection method: clinical testing. Allele origin: unknown.
Comment: Computational tools yielded predictions that this variant is unlikely to have an effect on normal RNA splicing. This nucleotide position exhibits low evolutionary conservation.

NM_001009944.3(PKD1):c.3552G>A (p.Arg1184=)

Gene: PKD1 (polycystin 1, transient receptor potential channel interacting; minus strand). Cytogenetic location: 16p13.3.
Variant type: single nucleotide variant.
Coding change: c.3552G>A on transcript NM_001009944.3 (MANE Select); coding-DNA position 3552, G replaced by A.
Protein change: p.Arg1184=; no amino-acid change (arginine 1184 retained).
Molecular consequence: synonymous variant.
Genome position (GRCh38, 1-based): chr16:2,111,615, C>T on the plus strand (G>A on the coding strand, the complement: PKD1 is on the minus strand). VCF-style: chr16-2111615-C-T. GRCh37 (hg19) VCF-style: chr16-2161616-C-T.
Other names: c.3552G>A, p.Arg1184= (NM_000296.4).
Identifiers: ClinVar variation 4682394 (VCV004682394.1).
Genomic context (GRCh38, chr16:2,111,615, plus strand): 5'-CGCCTGGGCCGCCGCACCGCTCACCGTGTTGTTGACCTCCAGGCGCACGTGGTAGGTGCC[C>T]CTCGAGGCATAGGTGTGGTTGGCAGCCGGCTGGCTCTGGGTCAGGACAGGGGAGCCGTCC-3'
Protein context (NP_001009944.3, residues 1174-1194): QPAANHTYAS[Arg1184=]GTYHVRLEVN